The following is an entry in ClinVar:

ClinVar aggregate classification (germline): Uncertain significance (1 of 4 stars; one submission).

Conditions:
Cardiovascular phenotype. Identifiers: MedGen CN230736.

Allele frequency attached by ClinVar (database versions not stated): TOPMed below 0.00001; gnomAD 0.00001.
gnomAD v4.1: 1 of 1,613,856 alleles (0.000062%); highest among the groups gnomAD compares: Non-Finnish European, 0.000085%; no homozygotes.

Submission:

Ambry Genetics
Classification: Uncertain significance for Cardiovascular phenotype. Last evaluated: 2022-06-21. Review status: criteria provided, single submitter. Criteria: Ambry Variant Classification Scheme 2023. Collection method: clinical testing. Allele origin: germline.
Comment: The p.T404I variant (also known as c.1211C>T), located in coding exon 9 of the KCNQ1 gene, results from a C to T substitution at nucleotide position 1211. The threonine at codon 404 is replaced by isoleucine, an amino acid with similar properties. This amino acid position is poorly conserved in available vertebrate species. In addition, the in silico prediction for this alteration is inconclusive. Since supporting evidence is limited at this time, the clinical significance of this alteration remains unclear.

NM_000218.3(KCNQ1):c.1211C>T (p.Thr404Ile)

Gene: KCNQ1 (potassium voltage-gated channel subfamily Q member 1; plus strand). Cytogenetic location: 11p15.5.
Variant type: single nucleotide variant.
Coding change: c.1211C>T on transcript NM_000218.3 (MANE Select); coding-DNA position 1211, C replaced by T.
Protein change: p.Thr404Ile; replaces threonine 404 with isoleucine.
Molecular consequence: missense variant.
Genome position (GRCh38, 1-based): chr11:2,587,652, C>T. VCF-style: chr11-2587652-C-T. GRCh37 (hg19) VCF-style: chr11-2608882-C-T.
Other names: c.941C>T, p.Thr314Ile (NM_001406837.1); c.671C>T, p.Thr224Ile (NM_001406838.1); c.830C>T, p.Thr277Ile (NM_181798.2); c.1115C>T, p.Thr372Ile (NM_001406836.1); short protein forms T314I, T277I, T372I, T224I, T404I.
Identifiers: ClinVar variation 1750474 (VCV001750474.2), dbSNP rs1490239200, ClinGen allele CA379134803.